The following is an entry in ClinVar:

ClinVar aggregate classification (germline): Pathogenic (1 of 4 stars; one submission).

Conditions:
Ichthyosis linearis circumflexa. Identifiers: MedGen C0265962, MONDO:0043106, HP:0025810.

Submission:

Labcorp Genetics (formerly Invitae), Labcorp
Classification: Pathogenic for Ichthyosis linearis circumflexa. Last evaluated: 2025-08-27. Review status: criteria provided, single submitter. Criteria: Invitae Variant Classification Sherloc (09022015). Collection method: clinical testing. Allele origin: germline.
Comment: This sequence change creates a premature translational stop signal (p.Arg857*) in the SPINK5 gene. It is expected to result in an absent or disrupted protein product. Loss-of-function variants in SPINK5 are known to be pathogenic (PMID: 11511292, 11841556). This variant is not present in population databases (gnomAD no frequency). This variant has not been reported in the literature in individuals affected with SPINK5-related conditions. For these reasons, this variant has been classified as Pathogenic.

Literature cited by the submitters: PubMed 11511292; PubMed 11841556.

NM_006846.4(SPINK5):c.2569A>T (p.Arg857Ter)

Gene: SPINK5 (serine peptidase inhibitor Kazal type 5; plus strand). Cytogenetic location: 5q32.
Variant type: single nucleotide variant.
Coding change: c.2569A>T on transcript NM_006846.4 (MANE Select); coding-DNA position 2569, A replaced by T.
Protein change: p.Arg857Ter; replaces arginine 857 with a stop codon.
Molecular consequence: nonsense.
Genome position (GRCh38, 1-based): chr5:148,123,863, A>T. VCF-style: chr5-148123863-A-T. GRCh37 (hg19) VCF-style: chr5-147503426-A-T.
Other names: c.2569A>T, p.Arg857Ter (NM_001127698.2, NM_001127699.2); short protein forms R857*.
Identifiers: ClinVar variation 4810165 (VCV004810165.1).